The following is an entry in ClinVar:

ClinVar aggregate classification (germline): Uncertain significance (1 of 4 stars; one submission).

Conditions:
Gastrointestinal stromal tumor. Also called: Gastrointestinal stromal tumor, somatic; Gastrointestinal stroma tumor. Identifiers: Orphanet 44890, MedGen C0238198, MeSH D046152, MONDO:0011719, OMIM 606764, HP:0100723.

Allele frequency attached by ClinVar (database versions not stated): gnomAD exomes below 0.00001.
gnomAD v4.1: 1 of 1,614,198 alleles (0.000062%); highest among the groups gnomAD compares: Non-Finnish European, 0.000085%; no homozygotes.

Submission:

Labcorp Genetics (formerly Invitae), Labcorp
Classification: Uncertain significance for Gastrointestinal stromal tumor. Last evaluated: 2023-07-19. Review status: criteria provided, single submitter. Criteria: Invitae Variant Classification Sherloc (09022015). Collection method: clinical testing. Allele origin: germline.
Comment: Algorithms developed to predict the effect of missense changes on protein structure and function output the following: SIFT: "Not Available"; PolyPhen-2: "Benign"; Align-GVGD: "Not Available". The serine amino acid residue is found in multiple mammalian species, which suggests that this missense change does not adversely affect protein function. In summary, the available evidence is currently insufficient to determine the role of this variant in disease. Therefore, it has been classified as a Variant of Uncertain Significance. ClinVar contains an entry for this variant (Variation ID: 845571). This sequence change replaces proline, which is neutral and non-polar, with serine, which is neutral and polar, at codon 61 of the KIT protein (p.Pro61Ser). This variant is not present in population databases (gnomAD no frequency). This variant has not been reported in the literature in individuals affected with KIT-related conditions.

NM_000222.3(KIT):c.181C>T (p.Pro61Ser)

Gene: KIT (KIT proto-oncogene, receptor tyrosine kinase; plus strand). Cytogenetic location: 4q12.
Variant type: single nucleotide variant.
Coding change: c.181C>T on transcript NM_000222.3 (MANE Select); coding-DNA position 181, C replaced by T.
Protein change: p.Pro61Ser; replaces proline 61 with serine.
Molecular consequence: missense variant.
Genome position (GRCh38, 1-based): chr4:54,695,625, C>T. VCF-style: chr4-54695625-C-T. GRCh37 (hg19) VCF-style: chr4-55561791-C-T.
Other names: c.181C>T, p.Pro61Ser (NM_001093772.2, NM_001385284.1, NM_001385285.1 and 4 more transcripts); short protein forms P61S.
Identifiers: ClinVar variation 845571 (VCV000845571.10), dbSNP rs1720010283, ClinGen allele CA356897004.